The following is an entry in ClinVar:

ClinVar aggregate classification (germline): Uncertain significance (1 of 4 stars; one submission).

Submission:

Labcorp Genetics (formerly Invitae), Labcorp
Classification: Uncertain significance. Last evaluated: 2022-09-07. Review status: criteria provided, single submitter. Criteria: Invitae Variant Classification Sherloc (09022015). Collection method: clinical testing. Allele origin: germline.
Comment: This sequence change replaces isoleucine, which is neutral and non-polar, with phenylalanine, which is neutral and non-polar, at codon 2422 of the DNAH9 protein (p.Ile2422Phe). This variant is not present in population databases (gnomAD no frequency). This variant has not been reported in the literature in individuals affected with DNAH9-related conditions. Algorithms developed to predict the effect of missense changes on protein structure and function are either unavailable or do not agree on the potential impact of this missense change (SIFT: "Deleterious"; PolyPhen-2: "Benign"; Align-GVGD: "Class C0"). In summary, the available evidence is currently insufficient to determine the role of this variant in disease. Therefore, it has been classified as a Variant of Uncertain Significance.

NM_001372.4(DNAH9):c.7264A>T (p.Ile2422Phe)

Gene: DNAH9 (dynein axonemal heavy chain 9; plus strand). Cytogenetic location: 17p12.
Variant type: single nucleotide variant.
Coding change: c.7264A>T on transcript NM_001372.4 (MANE Select); coding-DNA position 7264, A replaced by T.
Protein change: p.Ile2422Phe; replaces isoleucine 2422 with phenylalanine.
Molecular consequence: missense variant.
Genome position (GRCh38, 1-based): chr17:11,768,546, A>T. VCF-style: chr17-11768546-A-T. GRCh37 (hg19) VCF-style: chr17-11671863-A-T.
Other names: short protein forms I2422F.
Identifiers: ClinVar variation 1716065 (VCV001716065.5), dbSNP rs138009596, ClinGen allele CA398189069.